The following is an entry in ClinVar:

NM_198525.3(KIF7):c.2358C>A (p.Phe786Leu)

Gene: KIF7 (kinesin family member 7; minus strand). Cytogenetic location: 15q26.1.
Variant type: single nucleotide variant.
Coding change: c.2358C>A on transcript NM_198525.3 (MANE Select); coding-DNA position 2358, C replaced by A.
Protein change: p.Phe786Leu; replaces phenylalanine 786 with leucine.
Molecular consequence: missense variant.
Genome position (GRCh38, 1-based): chr15:89,642,239, G>T on the plus strand (C>A on the coding strand, the complement: KIF7 is on the minus strand). VCF-style: chr15-89642239-G-T. GRCh37 (hg19) VCF-style: chr15-90185470-G-T.
Other names: short protein forms F786L.
Identifiers: ClinVar variation 2761953 (VCV002761953.3), dbSNP rs1330184652, ClinGen allele CA393761314.

ClinVar aggregate classification (germline): Uncertain significance (1 of 4 stars; one submission).

Conditions:
Acrocallosal syndrome (ACLS). Also called: HALLUX DUPLICATION, POSTAXIAL POLYDACTYLY, AND ABSENCE OF CORPUS CALLOSUM; Schinzel syndrome 1; Absence of corpus callosum with unusual facial appearance, mental deficiency, duplication of the halluces and polydactyly. Identifiers: Orphanet 36, MedGen C0796147, MONDO:0008708, OMIM 200990.

Submission:

Labcorp Genetics (formerly Invitae), Labcorp
Classification: Uncertain significance for Acrocallosal syndrome. Last evaluated: 2023-06-03. Review status: criteria provided, single submitter. Criteria: Invitae Variant Classification Sherloc (09022015). Collection method: clinical testing. Allele origin: germline.
Comment: This sequence change replaces phenylalanine, which is neutral and non-polar, with leucine, which is neutral and non-polar, at codon 786 of the KIF7 protein (p.Phe786Leu). This variant is not present in population databases (gnomAD no frequency). This variant has not been reported in the literature in individuals affected with KIF7-related conditions. Advanced modeling of protein sequence and biophysical properties (such as structural, functional, and spatial information, amino acid conservation, physicochemical variation, residue mobility, and thermodynamic stability) performed at Invitae indicates that this missense variant is not expected to disrupt KIF7 protein function. In summary, the available evidence is currently insufficient to determine the role of this variant in disease. Therefore, it has been classified as a Variant of Uncertain Significance.